The following is an entry in ClinVar:

ClinVar aggregate classification (germline): Benign/Likely benign. Review status: criteria provided, multiple submitters, no conflicts (2 of 4 stars). 10 submissions from 10 submitters: Benign (4); Likely benign (4). 2 of the submissions do not count toward it. Last evaluated 2026-04-13.

Conditions:
DICER1-related disorder. Also called: DICER1-related condition.
Hereditary cancer-predisposing syndrome. Also called: Tumor predisposition; Hereditary neoplastic syndrome; Neoplastic Syndromes, Hereditary; Hereditary Cancer Syndrome. Identifiers: Orphanet 140162, MedGen C0027672, MeSH D009386, MONDO:0015356.
DICER1-related tumor predisposition. Also called: DICER1-related pleuropulmonary blastoma cancer predisposition syndrome; DICER1 syndrome. Identifiers: Orphanet 284343, MedGen C3839822, MONDO:0100216.

Allele frequency attached by ClinVar (database versions not stated): gnomAD exomes 0.00018 and 0.00054; ExAC 0.00079; gnomAD 0.00232 and 0.00252; 1000 Genomes Project 0.00240; TOPMed 0.00246; ESP Exome Variant Server 0.00284; 1000 Genomes Project 30x 0.00359.
gnomAD v4.1: 632 of 1,613,666 alleles (0.039%); highest among the groups gnomAD compares: African/African-American, 0.77%; 5 homozygotes.

Submissions (10):

Myriad Genetics, Inc.
Classification: Likely benign for DICER1-related tumor predisposition. Last evaluated: 2026-04-13. Review status: criteria provided, single submitter. Criteria: Myriad Autosomal Dominant, Autosomal Recessive and X-Linked Classification Criteria (2023). Collection method: clinical testing. Allele origin: unknown.
Comment: This variant is considered likely benign. This variant has been observed at a population frequency that is significantly greater than expected given the associated disease prevalence and penetrance.

Labcorp Genetics (formerly Invitae), Labcorp
Classification: Benign for DICER1-related tumor predisposition. Last evaluated: 2026-02-03. Review status: criteria provided, single submitter. Criteria: Invitae Variant Classification Sherloc (09022015). Collection method: clinical testing. Allele origin: germline.

Center for Genomic Medicine, Rigshospitalet, Copenhagen University Hospital
Classification: Benign. Last evaluated: 2025-12-29. Review status: criteria provided, single submitter. Criteria: ACMG Guidelines, 2015. Collection method: clinical testing. Allele origin: germline.
Comment: Classification criteria: BA1

Blueprint Genetics
Classification: Likely benign. Last evaluated: 2024-11-26. Review status: criteria provided, single submitter. Criteria: ACMG Guidelines, 2015. Collection method: clinical testing. Allele origin: germline.

Sema4
Classification: Benign for Hereditary cancer-predisposing syndrome. Last evaluated: 2021-04-23. Review status: criteria provided, single submitter. Criteria: Sema4 Curation Guidelines. Collection method: curation. Allele origin: germline.

GeneDx
Classification: Benign. Last evaluated: 2019-06-11. Review status: criteria provided, single submitter. Criteria: GeneDx Variant Classification Process June 2021. Collection method: clinical testing. Allele origin: germline. Affected: yes.
Comment: This variant is associated with the following publications: (PMID: 24728327)

Ambry Genetics
Classification: Likely benign for Hereditary cancer-predisposing syndrome. Last evaluated: 2019-02-27. Review status: criteria provided, single submitter. Criteria: Ambry Variant Classification Scheme 2023. Collection method: clinical testing. Allele origin: germline.

Breakthrough Genomics
Classification: Likely benign. Review status: criteria provided, single submitter. Criteria: ACMG Guidelines, 2015. Collection method: not provided. Allele origin: germline. Inheritance: Autosomal dominant inheritance. Affected: yes.

PreventionGenetics, part of Exact Sciences
Classification: Benign for DICER1-related condition. Last evaluated: 2022-07-22. Review status: no assertion criteria provided. Collection method: clinical testing. Allele origin: germline. Not counted in ClinVar's aggregate classification.
Comment: This variant is classified as benign based on ACMG/AMP sequence variant interpretation guidelines (Richards et al. 2015 PMID: 25741868, with internal and published modifications).

ITMI
No classification provided. Condition: AllHighlyPenetrant. Last evaluated: 2013-09-19. Review status: no classification provided. Collection method: reference population. Allele origin: germline. Not counted in ClinVar's aggregate classification.
Comment: Please see associated publication for description of ethnicities

Literature cited by the submitters: PubMed 24728327 (cited by ITMI).

NM_177438.3(DICER1):c.2557A>G (p.Ile853Val)

Gene: DICER1 (dicer 1, ribonuclease III; minus strand). Cytogenetic location: 14q32.13.
Variant type: single nucleotide variant.
Coding change: c.2557A>G on transcript NM_177438.3 (MANE Select); coding-DNA position 2557, A replaced by G.
Protein change: p.Ile853Val; replaces isoleucine 853 with valine.
Molecular consequence: missense variant.
Genome position (GRCh38, 1-based): chr14:95,107,973, T>C on the plus strand (A>G on the coding strand, the complement: DICER1 is on the minus strand). VCF-style: chr14-95107973-T-C. GRCh37 (hg19) VCF-style: chr14-95574310-T-C.
Other names: c.2557A>G, p.Ile853Val (NM_001195573.1, NM_001271282.3, NM_001291628.2 and 1 more transcripts); short protein forms I853V.
Identifiers: ClinVar variation 133966 (VCV000133966.25), dbSNP rs61729795, ClinGen allele CA332143.